The following is an entry in ClinVar:

NM_016148.5(SHANK1):c.4761G>A (p.Gly1587=)

Gene: SHANK1 (SH3 and multiple ankyrin repeat domains 1; minus strand). Cytogenetic location: 19q13.33.
Variant type: single nucleotide variant.
Coding change: c.4761G>A on transcript NM_016148.5 (MANE Select); coding-DNA position 4761, G replaced by A.
Protein change: p.Gly1587=; no amino-acid change (glycine 1587 retained).
Molecular consequence: synonymous variant.
Genome position (GRCh38, 1-based): chr19:50,667,199, C>T on the plus strand (G>A on the coding strand, the complement: SHANK1 is on the minus strand). VCF-style: chr19-50667199-C-T. GRCh37 (hg19) VCF-style: chr19-51170456-C-T.
Identifiers: ClinVar variation 4535158 (VCV004535158.6).

ClinVar aggregate classification (germline): Likely benign (1 of 4 stars; one submission).

Submission:

CeGaT Center for Human Genetics Tuebingen
Classification: Likely benign. Last evaluated: 2025-11-01. Review status: criteria provided, single submitter. Criteria: CeGaT Center For Human Genetics Tuebingen Variant Classification Criteria Version 2. Collection method: clinical testing. Allele origin: germline. Affected: yes. Observed: 1 variant allele.
Comment: SHANK1: PM2:Supporting, BP4, BP7